The following is an entry in ClinVar:

ClinVar aggregate classification (germline): Uncertain significance (1 of 4 stars; one submission).

Submission:

GeneDx
Classification: Uncertain significance. Last evaluated: 2026-09-23. Review status: criteria provided, single submitter. Criteria: GeneDx Variant Classification Process June 2021. Collection method: clinical testing. Allele origin: germline.
Comment: Not observed at significant frequency in large population cohorts (gnomAD); In silico analysis supports that this missense variant has a deleterious effect on protein structure/function; Has not been previously published as pathogenic or benign to our knowledge

NM_153252.5(BRWD3):c.652C>T (p.Leu218Phe)

Gene: BRWD3 (bromodomain and WD repeat domain containing 3; minus strand). Cytogenetic location: Xq21.1.
Variant type: single nucleotide variant.
Coding change: c.652C>T on transcript NM_153252.5 (MANE Select); coding-DNA position 652, C replaced by T.
Protein change: p.Leu218Phe; replaces leucine 218 with phenylalanine.
Molecular consequence: missense variant.
Genome position (GRCh38, 1-based): chrX:80,744,193, G>A on the plus strand (C>T on the coding strand, the complement: BRWD3 is on the minus strand). VCF-style: chrX-80744193-G-A. GRCh37 (hg19) VCF-style: chrX-79999692-G-A.
Other names: short protein forms L218F.
Identifiers: ClinVar variation 2499300 (VCV002499300.3), dbSNP rs2520538736, ClinGen allele CA413607023.